The following is an entry in ClinVar:

NM_000037.4(ANK1):c.5530C>T (p.Gln1844Ter)

Gene: ANK1 (ankyrin 1; minus strand). Cytogenetic location: 8p11.21.
Variant type: single nucleotide variant.
Coding change: c.5530C>T on transcript NM_000037.4 (MANE Select); coding-DNA position 5530, C replaced by T.
Protein change: p.Gln1844Ter; replaces glutamine 1844 with a stop codon.
Molecular consequence: nonsense. On other transcripts: intron variant (1).
Genome position (GRCh38, 1-based): chr8:41,661,890, G>A on the plus strand (C>T on the coding strand, the complement: ANK1 is on the minus strand). VCF-style: chr8-41661890-G-A. GRCh37 (hg19) VCF-style: chr8-41519408-G-A.
Other names: c.355C>T, p.Gln119Ter (NM_001142445.2, NM_020478.5); c.5653C>T, p.Gln1885Ter (NM_001142446.2); c.5530C>T, p.Gln1844Ter (NM_020475.3, NM_020476.3); c.5044C>T, p.Gln1682Ter (NM_020477.3); c.303+1769C>T (NM_020480.5); short protein forms Q1844*, Q119*, Q1682*, Q1885*.
Identifiers: ClinVar variation 2921004 (VCV002921004.1), dbSNP rs2487538167, ClinGen allele CA371046885.

ClinVar aggregate classification (germline): Pathogenic (1 of 4 stars; one submission).

Conditions:
Hereditary spherocytosis type 1. Also called: Spherocytosis type 1; ANK1-Related Spherocytosis. Identifiers: Orphanet 822, MedGen C2674218, MONDO:0008447, OMIM 182900.

Submission:

ARUP Laboratories, Molecular Genetics and Genomics, ARUP Laboratories
Classification: Pathogenic for Hereditary spherocytosis type 1. Last evaluated: 2023-08-09. Review status: criteria provided, single submitter. Criteria: ARUP Molecular Germline Variant Investigation Process 2024. Collection method: clinical testing. Allele origin: germline.
Comment: The ANK1 c.5530C>T; p.Gln1844Ter variant, to our knowledge, is not reported in the medical literature or gene specific databases. This variant is absent from the Genome Aggregation Database, indicating it is not a common polymorphism. This variant induces an early termination codon and is predicted to result in a truncated protein or mRNA subject to nonsense-mediated decay. Based on available information, this variant is considered to be pathogenic.